The following is an entry in ClinVar:

ClinVar aggregate classification (germline): Uncertain significance (1 of 4 stars; one submission).

Conditions:
KBG syndrome (KBGS). Also called: ANKRD11-Related KBG Syndrome. Identifiers: Orphanet 2332, MedGen C0220687, MONDO:0007846, OMIM 148050.

gnomAD v4.1: 12 of 1,613,882 alleles (0.00074%); highest among the groups gnomAD compares: Non-Finnish European, 0.00076%; no homozygotes.

Submission:

Labcorp Genetics (formerly Invitae), Labcorp
Classification: Uncertain significance for KBG syndrome. Last evaluated: 2025-09-21. Review status: criteria provided, single submitter. Criteria: Invitae Variant Classification Sherloc (09022015). Collection method: clinical testing. Allele origin: germline.
Comment: This sequence change replaces aspartic acid, which is acidic and polar, with histidine, which is basic and polar, at codon 737 of the ANKRD11 protein (p.Asp737His). This variant is not present in population databases (gnomAD no frequency). This variant has not been reported in the literature in individuals affected with ANKRD11-related conditions. Invitae Evidence Modeling of protein sequence and biophysical properties (such as structural, functional, and spatial information, amino acid conservation, physicochemical variation, residue mobility, and thermodynamic stability) indicates that this missense variant is not expected to disrupt ANKRD11 protein function with a negative predictive value of 95%. In summary, the available evidence is currently insufficient to determine the role of this variant in disease. Therefore, it has been classified as a Variant of Uncertain Significance.

NM_013275.6(ANKRD11):c.2209G>C (p.Asp737His)

Gene: ANKRD11 (ankyrin repeat domain 11; minus strand). Cytogenetic location: 16q24.3.
Variant type: single nucleotide variant.
Coding change: c.2209G>C on transcript NM_013275.6 (MANE Select); coding-DNA position 2209, G replaced by C.
Protein change: p.Asp737His; replaces aspartic acid 737 with histidine.
Molecular consequence: missense variant.
Genome position (GRCh38, 1-based): chr16:89,284,333, C>G on the plus strand (G>C on the coding strand, the complement: ANKRD11 is on the minus strand). VCF-style: chr16-89284333-C-G. GRCh37 (hg19) VCF-style: chr16-89350741-C-G.
Other names: c.2209G>C, p.Asp737His (NM_001256182.2, NM_001256183.2); short protein forms D737H.
Identifiers: ClinVar variation 4744746 (VCV004744746.1).